The following is an entry in ClinVar:

NM_001605.3(AARS1):c.2201C>T (p.Ala734Val)

Gene: AARS1 (alanyl-tRNA synthetase 1; minus strand). Cytogenetic location: 16q22.1.
Variant type: single nucleotide variant.
Coding change: c.2201C>T on transcript NM_001605.3 (MANE Select); coding-DNA position 2201, C replaced by T.
Protein change: p.Ala734Val; replaces alanine 734 with valine.
Molecular consequence: missense variant.
Genome position (GRCh38, 1-based): chr16:70,255,813, G>A on the plus strand (C>T on the coding strand, the complement: AARS1 is on the minus strand). VCF-style: chr16-70255813-G-A. GRCh37 (hg19) VCF-style: chr16-70289716-G-A.
Other names: short protein forms A734V.
Identifiers: ClinVar variation 2822632 (VCV002822632.3), dbSNP rs2506993350, ClinGen allele CA396557072.

ClinVar aggregate classification (germline): Uncertain significance (1 of 4 stars; one submission).

Conditions:
Charcot-Marie-Tooth disease type 2. Also called: Charcot-Marie-Tooth type 2. Identifiers: Orphanet 64746, MedGen C0270914, MONDO:0018993.

Submission:

Labcorp Genetics (formerly Invitae), Labcorp
Classification: Uncertain significance for Charcot-Marie-Tooth disease type 2. Last evaluated: 2022-12-20. Review status: criteria provided, single submitter. Criteria: Invitae Variant Classification Sherloc (09022015). Collection method: clinical testing. Allele origin: germline.
Comment: This variant is not present in population databases (gnomAD no frequency). This sequence change replaces alanine, which is neutral and non-polar, with valine, which is neutral and non-polar, at codon 734 of the AARS protein (p.Ala734Val). This variant has not been reported in the literature in individuals affected with AARS-related conditions. Advanced modeling of protein sequence and biophysical properties (such as structural, functional, and spatial information, amino acid conservation, physicochemical variation, residue mobility, and thermodynamic stability) performed at Invitae indicates that this missense variant is not expected to disrupt AARS protein function. In summary, the available evidence is currently insufficient to determine the role of this variant in disease. Therefore, it has been classified as a Variant of Uncertain Significance.